The following is an entry in ClinVar:

ClinVar aggregate classification (germline): Benign/Likely benign. Review status: criteria provided, multiple submitters, no conflicts (2 of 4 stars). 7 submissions from 7 submitters: Benign (5); Likely benign (1). 1 of the submissions does not count toward it. Last evaluated 2026-02-04.

Conditions:
Congenital bile acid synthesis defect 4 (CBAS4). Also called: CHOLESTASIS, INTRAHEPATIC, WITH DEFECTIVE CONVERSION OF TRIHYDROXYCOPROSTANIC ACID TO CHOLIC ACID; TRIHYDROXYCOPROSTANIC ACID IN BILE. Identifiers: Orphanet 79095, MedGen C1858328, MONDO:0008967, OMIM 214950.
Alpha-methylacyl-CoA racemase deficiency (AMACRD). Also called: AMACR deficiency. Identifiers: Orphanet 79095, MedGen C3280428, MONDO:0013681, OMIM 614307. Disease mechanism: loss of function.

Allele frequency attached by ClinVar (database versions not stated): gnomAD exomes 0.00112 and 0.00287; ExAC 0.00374; 1000 Genomes Project 30x 0.00953; 1000 Genomes Project 0.00978; gnomAD 0.01209 and 0.01320; ESP Exome Variant Server 0.01261; TOPMed 0.01347.

Submissions (7):

Labcorp Genetics (formerly Invitae), Labcorp
Classification: Benign for Alpha-methylacyl-CoA racemase deficiency. Last evaluated: 2026-02-04. Review status: criteria provided, single submitter. Criteria: Invitae Variant Classification Sherloc (09022015). Collection method: clinical testing. Allele origin: germline.

Fulgent Genetics
Classification: Likely benign for Congenital bile acid synthesis defect 4; Alpha-methylacyl-CoA racemase deficiency. Last evaluated: 2021-10-08. Review status: criteria provided, single submitter. Criteria: ACMG Guidelines, 2015. Collection method: clinical testing. Allele origin: unknown.

Illumina Laboratory Services, Illumina
Classification: Benign for Alpha-methylacyl-CoA racemase deficiency. Last evaluated: 2018-01-13. Review status: criteria provided, single submitter. Criteria: ICSL Variant Classification Criteria 13 December 2019. Collection method: clinical testing. Allele origin: germline.
Comment: This variant was observed in the ICSL laboratory as part of a predisposition screen in an ostensibly healthy population. It had not been previously curated by ICSL or reported in the Human Gene Mutation Database (HGMD: prior to June 1st, 2018), and was therefore a candidate for classification through an automated scoring system. Utilizing variant allele frequency, disease prevalence and penetrance estimates, and inheritance mode, an automated score was calculated to assess if this variant is too frequent to cause the disease. Based on the score and internal cut-off values, a variant classified as benign is not then subjected to further curation. The score for this variant resulted in a classification of benign for this disease.

Center for Pediatric Genomic Medicine, Children's Mercy Hospital and Clinics
Classification: Benign. Last evaluated: 2016-05-19. Review status: criteria provided, single submitter. Criteria: ACMG Guidelines, 2015. Collection method: clinical testing. Allele origin: germline.

GeneDx
Classification: Benign. Last evaluated: 2016-03-24. Review status: criteria provided, single submitter. Criteria: GeneDx Variant Classification (06012015). Collection method: clinical testing. Allele origin: germline. Affected: yes.
Comment: This variant is considered likely benign or benign based on one or more of the following criteria: it is a conservative change, it occurs at a poorly conserved position in the protein, it is predicted to be benign by multiple in silico algorithms, and/or has population frequency not consistent with disease.

Breakthrough Genomics
Classification: Benign. Review status: criteria provided, single submitter. Criteria: ACMG Guidelines, 2015. Collection method: not provided. Allele origin: germline. Inheritance: Autosomal recessive inheritance. Affected: yes.

Mayo Clinic Laboratories, Mayo Clinic
Classification: Benign. Last evaluated: 2017-08-17. Review status: no assertion criteria provided. Collection method: clinical testing. Allele origin: unknown. Not counted in ClinVar's aggregate classification.

NM_014324.6(AMACR):c.782T>C (p.Met261Thr)

Genes: C1QTNF3-AMACR (C1QTNF3-AMACR readthrough (NMD candidate); minus strand), AMACR (alpha-methylacyl-CoA racemase; minus strand). Cytogenetic location: 5p13.2.
Variant type: single nucleotide variant.
Coding change: c.782T>C on transcript NM_014324.6 (MANE Select); coding-DNA position 782, T replaced by C.
Protein change: p.Met261Thr; replaces methionine 261 with threonine.
Molecular consequence: missense variant. On other transcripts: non-coding transcript variant (1), 3 prime UTR variant (1).
Genome position (GRCh38, 1-based): chr5:33,989,460, A>G on the plus strand (T>C on the coding strand, the complement: AMACR is on the minus strand). VCF-style: chr5-33989460-A-G. GRCh37 (hg19) VCF-style: chr5-33989565-A-G.
Other names: c.782T>C, p.Met261Thr (NM_001167595.2); c.*24T>C (NM_203382.3); short protein forms M261T.
Identifiers: ClinVar variation 235412 (VCV000235412.22), dbSNP rs3195678, ClinGen allele CA3226028.